The following is an entry in ClinVar:

NM_152564.5(VPS13B):c.11548G>T (p.Val3850Phe)

Gene: VPS13B (vacuolar protein sorting 13 homolog B; plus strand). Cytogenetic location: 8q22.2.
Variant type: single nucleotide variant.
Coding change: c.11548G>T on transcript NM_152564.5 (MANE Select); coding-DNA position 11548, G replaced by T.
Protein change: p.Val3850Phe; replaces valine 3850 with phenylalanine.
Molecular consequence: missense variant.
Genome position (GRCh38, 1-based): chr8:99,871,500, G>T. VCF-style: chr8-99871500-G-T. GRCh37 (hg19) VCF-style: chr8-100883728-G-T.
Other names: c.11623G>T, p.Val3875Phe (NM_017890.5); short protein forms V3875F, V3850F.
Identifiers: ClinVar variation 937115 (VCV000937115.8), dbSNP rs1817413381, ClinGen allele CA371794151.
Genomic context (GRCh38, chr8:99,871,500, plus strand): 5'-TTAAACAGGAAAATGCTTCAGTCTCTGGGCAGACCAGAAGTCCACATGGCCCTGGACGTG[G>T]TTCTGGTGAGGGGCTCAGGCCAGGAGCATGAAGGGTGCTTGCTGCTGACATCAGAAGTGC-3'
Protein context (NP_689777.3, residues 3840-3860): RPEVHMALDV[Val3850Phe]LVRGSGQEHE

ClinVar aggregate classification (germline): Uncertain significance (1 of 4 stars; one submission).

Conditions:
Cohen syndrome (COH1). Also called: PEPPER SYNDROME; Cutis verticis gyrata, retinitis pigmentosa, and sensorineural deafness. Identifiers: Orphanet 193, MedGen C0265223, MONDO:0008999, OMIM 216550.

Allele frequency attached by ClinVar (database versions not stated): gnomAD exomes below 0.00001; TOPMed below 0.00001.
gnomAD v4.1: 2 of 1,614,242 alleles (0.00012%); highest among the groups gnomAD compares: Non-Finnish European, 0.000085%; no homozygotes.

Submission:

Labcorp Genetics (formerly Invitae), Labcorp
Classification: Uncertain significance for Cohen syndrome. Last evaluated: 2019-05-29. Review status: criteria provided, single submitter. Criteria: Invitae Variant Classification Sherloc (09022015). Collection method: clinical testing. Allele origin: germline.
Comment: In summary, the available evidence is currently insufficient to determine the role of this variant in disease. Therefore, it has been classified as a Variant of Uncertain Significance. This variant has not been reported in the literature in individuals with VPS13B-related conditions. Algorithms developed to predict the effect of missense changes on protein structure and function are either unavailable or do not agree on the potential impact of this missense change (SIFT: "Deleterious"; PolyPhen-2: "Benign"; Align-GVGD: "Class C0"). This variant is not present in population databases (ExAC no frequency). This sequence change replaces valine with phenylalanine at codon 3875 of the VPS13B protein (p.Val3875Phe). The valine residue is moderately conserved and there is a small physicochemical difference between valine and phenylalanine.